The following is an entry in ClinVar:

ClinVar aggregate classification (germline): Uncertain significance (1 of 4 stars; one submission).

Conditions:
Developmental and epileptic encephalopathy, 36 (DEE36). Also called: ALG13-CDG; Epileptic encephalopathy, early infantile, 36; Congenital disorder of glycosylation, type Is. Identifiers: Orphanet 324422, MedGen C4317295, MONDO:0010472, OMIM 300884.

Submission:

Labcorp Genetics (formerly Invitae), Labcorp
Classification: Uncertain significance for Developmental and epileptic encephalopathy, 36. Last evaluated: 2025-08-10. Review status: criteria provided, single submitter. Criteria: Invitae Variant Classification Sherloc (09022015). Collection method: clinical testing. Allele origin: germline.
Comment: This sequence change creates a premature translational stop signal (p.Thr200Profs*18) in the ALG13 gene. It is expected to result in an absent or disrupted protein product. However, the current clinical and genetic evidence is not sufficient to establish whether loss-of-function variants in ALG13 cause disease. This variant is not present in population databases (gnomAD no frequency). This variant has not been reported in the literature in individuals affected with ALG13-related conditions. ClinVar contains an entry for this variant (Variation ID: 1364479). Experimental studies and prediction algorithms are not available or were not evaluated, and the functional significance of this variant is currently unknown. In summary, the available evidence is currently insufficient to determine the role of this variant in disease. Therefore, it has been classified as a Variant of Uncertain Significance.

NM_001099922.3(ALG13):c.597del (p.Thr200fs)

Gene: ALG13 (ALG13 UDP-N-acetylglucosaminyltransferase subunit; plus strand). Cytogenetic location: Xq23.
Variant type: Deletion.
Coding change: c.597del on transcript NM_001099922.3 (MANE Select); coding-DNA position 597, one base deleted (C; older notation c.597delC).
Protein change: p.Thr200fs; shifts the reading frame from threonine 200.
Molecular consequence: frameshift variant. On other transcripts: non-coding transcript variant (1).
Genome position (GRCh38, 1-based): chrX:111,708,240, C deleted; the last of 5 consecutive C bases (chrX:111,708,236-111,708,240); deleting any one gives the same sequence. VCF-style (leftmost placement, unchanged base first): chrX-111708235-AC-A. GRCh37 (hg19) VCF-style: chrX-110951463-AC-A.
Other names: c.285del, p.Thr96fs (NM_001257230.2, NM_001257234.2, NM_001257237.2 and 1 more transcripts); c.363del, p.Thr122fs (NM_001257231.2); c.597del, p.Thr200fs (NM_001324292.2); short protein forms T122fs, T96fs, T200fs.
Identifiers: ClinVar variation 1364479 (VCV001364479.6), dbSNP rs2147998012, ClinGen allele CA2573159136.
Genomic context (GRCh38, chrX:111,708,235, plus strand): 5'-ACCCATCCTACCTGCACCCTGCTTTTTCCCTCTTGCCACGCTTTTTTTCCTCTCCCTCTT[AC>A]CCCCACCCTGTACAAAATGCATAAAGGATGGAAAAACTACTGCAGCCAGAAGTCTTTGAA-3'